The following is an entry in ClinVar:

NM_000810.4(GABRA5):c.472G>T (p.Asp158Tyr)

Gene: GABRA5 (gamma-aminobutyric acid type A receptor subunit alpha5; plus strand). Cytogenetic location: 15q12.
Variant type: single nucleotide variant.
Coding change: c.472G>T on transcript NM_000810.4 (MANE Select); coding-DNA position 472, G replaced by T.
Protein change: p.Asp158Tyr; replaces aspartic acid 158 with tyrosine.
Molecular consequence: missense variant.
Genome position (GRCh38, 1-based): chr15:26,883,532, G>T. VCF-style: chr15-26883532-G-T. GRCh37 (hg19) VCF-style: chr15-27128679-G-T.
Other names: c.472G>T, p.Asp158Tyr (NM_001165037.2); short protein forms D158Y.
Identifiers: ClinVar variation 2645026 (VCV002645026.24), dbSNP rs2504200989, ClinGen allele CA391464804.

ClinVar aggregate classification (germline): Uncertain significance (1 of 4 stars; one submission).

gnomAD v4.1: 2 of 1,611,826 alleles (0.00012%); highest among the groups gnomAD compares: Non-Finnish European, 0.00017%; no homozygotes.

Submission:

CeGaT Center for Human Genetics Tuebingen
Classification: Uncertain significance. Last evaluated: 2023-10-01. Review status: criteria provided, single submitter. Criteria: CeGaT Center For Human Genetics Tuebingen Variant Classification Criteria Version 2. Collection method: clinical testing. Allele origin: germline. Affected: yes. Observed: 1 variant allele.
Comment: GABRA5: PM2